The following is an entry in ClinVar:

ClinVar aggregate classification (germline): Uncertain significance. Review status: criteria provided, single submitter (1 of 4 stars). 2 submissions from 2 submitters: Uncertain significance (1). 1 of the submissions does not count toward it. Last evaluated 2022-09-06.

Conditions:
Neuronal ceroid lipofuscinosis 2. Also called: JANSKY-BIELSCHOWSKY DISEASE NEURONAL CEROID LIPOFUSCINOSIS, LATE INFANTILE; TPP1-Related Neuronal Ceroid-Lipofuscinosis. Identifiers: Orphanet 168491, Orphanet 228349, Orphanet 79264, MedGen C1876161, MONDO:0008769, OMIM 204500.

Submissions (2):

Labcorp Genetics (formerly Invitae), Labcorp
Classification: Uncertain significance. Last evaluated: 2022-09-06. Review status: criteria provided, single submitter. Criteria: Invitae Variant Classification Sherloc (09022015). Collection method: clinical testing. Allele origin: germline.
Comment: This sequence change falls in intron 8 of the TPP1 gene. It does not directly change the encoded amino acid sequence of the TPP1 protein. It affects a nucleotide within the consensus splice site. This variant is not present in population databases (gnomAD no frequency). This variant has not been reported in the literature in individuals affected with TPP1-related conditions. ClinVar contains an entry for this variant (Variation ID: 972379). Variants that disrupt the consensus splice site are a relatively common cause of aberrant splicing (PMID: 17576681, 9536098). Algorithms developed to predict the effect of sequence changes on RNA splicing suggest that this variant is not likely to affect RNA splicing. In summary, the available evidence is currently insufficient to determine the role of this variant in disease. Therefore, it has been classified as a Variant of Uncertain Significance.

Natera, Inc.
Classification: Uncertain significance for Neuronal ceroid lipofuscinosis 2. Last evaluated: 2021-07-06. Review status: no assertion criteria provided. Collection method: clinical testing. Allele origin: germline. Not counted in ClinVar's aggregate classification.

Literature cited by the submitters: PubMed 17576681 (cited by Labcorp Genetics (formerly Invitae), Labcorp); PubMed 9536098 (cited by Labcorp Genetics (formerly Invitae), Labcorp).

NM_000391.4(TPP1):c.1075+5C>T

Gene: TPP1 (tripeptidyl peptidase 1; minus strand). Cytogenetic location: 11p15.4.
Variant type: single nucleotide variant.
Coding change: c.1075+5C>T on transcript NM_000391.4 (MANE Select); 5 bases into the intron after coding-DNA position 1075, C replaced by T.
Molecular consequence: intron variant.
Genome position (GRCh38, 1-based): chr11:6,616,310, G>A on the plus strand (C>T on the coding strand, the complement: TPP1 is on the minus strand). VCF-style: chr11-6616310-G-A. GRCh37 (hg19) VCF-style: chr11-6637541-G-A.
Identifiers: ClinVar variation 972379 (VCV000972379.11), dbSNP rs1242288949, ClinGen allele CA1139661820.